The following is an entry in ClinVar:

NM_177924.5(ASAH1):c.424A>T (p.Ile142Phe)

Gene: ASAH1 (N-acylsphingosine amidohydrolase 1; minus strand). Cytogenetic location: 8p22.
Variant type: single nucleotide variant.
Coding change: c.424A>T on transcript NM_177924.5 (MANE Select); coding-DNA position 424, A replaced by T.
Protein change: p.Ile142Phe; replaces isoleucine 142 with phenylalanine.
Molecular consequence: missense variant.
Genome position (GRCh38, 1-based): chr8:18,064,490, T>A on the plus strand (A>T on the coding strand, the complement: ASAH1 is on the minus strand). VCF-style: chr8-18064490-T-A. GRCh37 (hg19) VCF-style: chr8-17921999-T-A.
Other names: c.406A>T, p.Ile136Phe (NM_001127505.3); c.229A>T, p.Ile77Phe (NM_001363743.2); c.472A>T, p.Ile158Phe (NM_004315.6); short protein forms I77F, I136F, I158F, I142F.
Identifiers: ClinVar variation 1408232 (VCV001408232.6), dbSNP rs17856515, ClinGen allele CA370431648.
Genomic context (GRCh38, chr8:18,064,490, plus strand): 5'-GCCCACCCTCCCTCAGCGCACAATTACCTTTTTTGTCTTCTGCTACTATTGAAGTACAAA[T>A]GGTAAATAATTCATAAAAAATATTGAATGAAATAATCTCTCCTATGAGAAAAGAAAATTT-3'
Protein context (NP_808592.2, residues 132-152): SFNIFYELFT[Ile142Phe]CTSIVAEDKK

ClinVar aggregate classification (germline): Uncertain significance (1 of 4 stars; one submission).

Submission:

Labcorp Genetics (formerly Invitae), Labcorp
Classification: Uncertain significance. Last evaluated: 2023-08-24. Review status: criteria provided, single submitter. Criteria: Invitae Variant Classification Sherloc (09022015). Collection method: clinical testing. Allele origin: germline.
Comment: ClinVar contains an entry for this variant (Variation ID: 1408232). Advanced modeling of protein sequence and biophysical properties (such as structural, functional, and spatial information, amino acid conservation, physicochemical variation, residue mobility, and thermodynamic stability) performed at Invitae indicates that this missense variant is not expected to disrupt ASAH1 protein function. In summary, the available evidence is currently insufficient to determine the role of this variant in disease. Therefore, it has been classified as a Variant of Uncertain Significance. This sequence change replaces isoleucine, which is neutral and non-polar, with phenylalanine, which is neutral and non-polar, at codon 142 of the ASAH1 protein (p.Ile142Phe). This variant is not present in population databases (gnomAD no frequency). This variant has not been reported in the literature in individuals affected with ASAH1-related conditions.